The following is an entry in ClinVar:

ClinVar aggregate classification (germline): Likely benign (1 of 4 stars; one submission).

gnomAD v4.1: 6 of 1,606,516 alleles (0.00037%); highest among the groups gnomAD compares: Non-Finnish European, 0.00034%; no homozygotes.

Submission:

Mayo Clinic Laboratories, Mayo Clinic
Classification: Likely benign. Last evaluated: 2025-09-10. Review status: criteria provided, single submitter. Criteria: ACMG Guidelines, 2015. Collection method: clinical testing. Allele origin: germline. Observed: 1 variant allele.
Comment: BS2, BP4

NM_003719.5(PDE8B):c.1912G>A (p.Gly638Arg)

Gene: PDE8B (phosphodiesterase 8B; plus strand). Cytogenetic location: 5q13.3.
Variant type: single nucleotide variant.
Coding change: c.1912G>A on transcript NM_003719.5 (MANE Select); coding-DNA position 1912, G replaced by A.
Protein change: p.Gly638Arg; replaces glycine 638 with arginine.
Molecular consequence: missense variant.
Genome position (GRCh38, 1-based): chr5:77,418,229, G>A. VCF-style: chr5-77418229-G-A. GRCh37 (hg19) VCF-style: chr5-76714054-G-A.
Other names: p.Gly638Arg; c.1747G>A, p.Gly583Arg (NM_001029852.4); c.1852G>A, p.Gly618Arg (NM_001029853.4); c.1771G>A, p.Gly591Arg (NM_001029854.4); c.1909G>A, p.Gly637Arg (NM_001349748.3, NM_001349751.3); c.1975G>A, p.Gly659Arg (NM_001349749.3); c.1672G>A, p.Gly558Arg (NM_001349750.3); c.1606G>A, p.Gly536Arg (NM_001349752.3); and 13 more; short protein forms G417R, G420R, G440R, G489R, G490R, G510R, G514R, G517R.
Identifiers: ClinVar variation 4684846 (VCV004684846.1).